The following is an entry in ClinVar:

ClinVar aggregate classification (germline): Uncertain significance (1 of 4 stars; one submission).

Submission:

GeneDx
Classification: Uncertain significance. Last evaluated: 2024-12-27. Review status: criteria provided, single submitter. Criteria: GeneDx Variant Classification Process June 2021. Collection method: clinical testing. Allele origin: germline. Affected: yes.
Comment: Not observed at significant frequency in large population cohorts (gnomAD); In silico analysis indicates that this missense variant does not alter protein structure/function; Has not been previously published as pathogenic or benign to our knowledge

NM_021942.6(TRAPPC11):c.115G>A (p.Ala39Thr)

Gene: TRAPPC11 (trafficking protein particle complex subunit 11; plus strand). Cytogenetic location: 4q35.1.
Variant type: single nucleotide variant.
Coding change: c.115G>A on transcript NM_021942.6 (MANE Select); coding-DNA position 115, G replaced by A.
Protein change: p.Ala39Thr; replaces alanine 39 with threonine.
Molecular consequence: missense variant.
Genome position (GRCh38, 1-based): chr4:183,663,982, G>A. VCF-style: chr4-183663982-G-A. GRCh37 (hg19) VCF-style: chr4-184585135-G-A.
Other names: c.115G>A, p.Ala39Thr (NM_199053.3); short protein forms A39T.
Identifiers: ClinVar variation 3907927 (VCV003907927.1).